The following is an entry in ClinVar:

NM_172107.4(KCNQ2):c.479G>C (p.Arg160Pro)

Gene: KCNQ2 (potassium voltage-gated channel subfamily Q member 2; minus strand). Cytogenetic location: 20q13.33.
Variant type: single nucleotide variant.
Coding change: c.479G>C on transcript NM_172107.4 (MANE Select); coding-DNA position 479, G replaced by C.
Protein change: p.Arg160Pro; replaces arginine 160 with proline.
Molecular consequence: missense variant.
Genome position (GRCh38, 1-based): chr20:63,445,273, C>G on the plus strand (G>C on the coding strand, the complement: KCNQ2 is on the minus strand). VCF-style: chr20-63445273-C-G. GRCh37 (hg19) VCF-style: chr20-62076626-C-G.
Other names: c.479G>C, p.Arg160Pro (NM_004518.6, NM_172106.3, NM_172108.5 and 1 more transcripts); short protein forms R160P.
Identifiers: ClinVar variation 373279 (VCV000373279.1), dbSNP rs1057518323, ClinGen allele CA16043159.

ClinVar aggregate classification (germline): Uncertain significance (1 of 4 stars; one submission).

Submission:

GeneDx
Classification: Uncertain significance. Last evaluated: 2016-11-16. Review status: criteria provided, single submitter. Criteria: GeneDx Variant Classification (06012015). Collection method: clinical testing. Allele origin: germline. Affected: yes.
Comment: A variant of uncertain significance has been identified in the KCNQ2 gene. The R160P variant has not been published as a pathogenic variant, nor has it been reported as a benign variant to our knowledge. It was not observed in approximately 6,500 individuals of European and African American ancestry in the NHLBI Exome Sequencing Project, indicating it is not a common benign variant in these populations. The R160P variant is a non-conservative amino acid substitution, which is likely to impact secondary protein structure as these residues differ in polarity, charge, size and/or other properties. This substitution occurs at a position that is conserved across species, and in silico analysis predicts the R160P variant is probably damaging to the protein structure/function. Based on the currently available information, it is unclear whether this variant is a pathogenic variant or a rare benign variant.